The following is an entry in ClinVar:

ClinVar aggregate classification (germline): Uncertain significance (1 of 4 stars; one submission).

Submission:

GeneDx
Classification: Uncertain significance. Last evaluated: 2024-07-23. Review status: criteria provided, single submitter. Criteria: GeneDx Variant Classification Process June 2021. Collection method: clinical testing. Allele origin: germline.
Comment: Not observed at significant frequency in large population cohorts (gnomAD); In silico analysis supports that this missense variant has a deleterious effect on protein structure/function; Has not been previously published as pathogenic or benign to our knowledge

NM_001039591.3(USP9X):c.965C>T (p.Pro322Leu)

Gene: USP9X (ubiquitin specific peptidase 9 X-linked; plus strand). Cytogenetic location: Xp11.4.
Variant type: single nucleotide variant.
Coding change: c.965C>T on transcript NM_001039591.3 (MANE Select); coding-DNA position 965, C replaced by T.
Protein change: p.Pro322Leu; replaces proline 322 with leucine.
Molecular consequence: missense variant.
Genome position (GRCh38, 1-based): chrX:41,141,160, C>T. VCF-style: chrX-41141160-C-T. GRCh37 (hg19) VCF-style: chrX-41000413-C-T.
Other names: c.965C>T, p.Pro322Leu (NM_001039590.3, NM_001410748.1, NM_001410749.1); short protein forms P322L.
Identifiers: ClinVar variation 1810499 (VCV001810499.2), dbSNP rs2519132296, ClinGen allele CA412767527.